The following is an entry in ClinVar:

NM_006269.2(RP1):c.6112C>A (p.His2038Asn)

Gene: RP1 (RP1 axonemal microtubule associated; plus strand). Cytogenetic location: 8q12.1.
Variant type: single nucleotide variant.
Coding change: c.6112C>A on transcript NM_006269.2 (MANE Select); coding-DNA position 6112, C replaced by A.
Protein change: p.His2038Asn; replaces histidine 2038 with asparagine.
Molecular consequence: missense variant. On other transcripts: intron variant (1).
Genome position (GRCh38, 1-based): chr8:54,629,994, C>A. VCF-style: chr8-54629994-C-A. GRCh37 (hg19) VCF-style: chr8-55542554-C-A.
Other names: c.787+7706C>A (NM_001375654.1); short protein forms H2038N.
Identifiers: ClinVar variation 1958806 (VCV001958806.6), dbSNP rs199817307, ClinGen allele CA177184581.

ClinVar aggregate classification (germline): Uncertain significance. Review status: criteria provided, multiple submitters, no conflicts (2 of 4 stars). 2 submissions from 2 submitters: Uncertain significance (2). Last evaluated 2024-10-21.

Allele frequency attached by ClinVar (database versions not stated): gnomAD exomes below 0.00001; 1000 Genomes Project 30x 0.00016; 1000 Genomes Project 0.00020.
gnomAD v4.1: 6 of 1,614,012 alleles (0.00037%); highest among the groups gnomAD compares: Middle Eastern, 0.017%; no homozygotes.

Submissions (2):

Labcorp Genetics (formerly Invitae), Labcorp
Classification: Uncertain significance. Last evaluated: 2024-10-21. Review status: criteria provided, single submitter. Criteria: Invitae Variant Classification Sherloc (09022015). Collection method: clinical testing. Allele origin: germline.
Comment: This sequence change replaces histidine, which is basic and polar, with asparagine, which is neutral and polar, at codon 2038 of the RP1 protein (p.His2038Asn). This variant is not present in population databases (gnomAD no frequency). This variant has not been reported in the literature in individuals affected with RP1-related conditions. ClinVar contains an entry for this variant (Variation ID: 1958806). An algorithm developed to predict the effect of missense changes on protein structure and function (PolyPhen-2) suggests that this variant is likely to be tolerated. In summary, the available evidence is currently insufficient to determine the role of this variant in disease. Therefore, it has been classified as a Variant of Uncertain Significance.

Blueprint Genetics
Classification: Uncertain significance. Last evaluated: 2021-12-15. Review status: criteria provided, single submitter. Criteria: ACMG Guidelines, 2015. Collection method: clinical testing. Allele origin: germline.